The following is an entry in ClinVar:

NM_001287491.2(TET3):c.3116C>T (p.Ala1039Val)

Gene: TET3 (tet methylcytosine dioxygenase 3; plus strand). Cytogenetic location: 2p13.1.
Variant type: single nucleotide variant.
Coding change: c.3116C>T on transcript NM_001287491.2 (MANE Select); coding-DNA position 3116, C replaced by T.
Protein change: p.Ala1039Val; replaces alanine 1039 with valine.
Molecular consequence: missense variant.
Genome position (GRCh38, 1-based): chr2:74,092,978, C>T. VCF-style: chr2-74092978-C-T. GRCh37 (hg19) VCF-style: chr2-74320105-C-T.
Other names: c.2837C>T, p.Ala946Val (NM_001366022.1); short protein forms A1039V, A946V.
Identifiers: ClinVar variation 3893354 (VCV003893354.1).
Genomic context (GRCh38, chr2:74,092,978, plus strand): 5'-AGAGTTTCCAGGACCTGGCCACCGAAGTCGCTCCCCTGTACAAGCGACTGGCCCCTCAGG[C>T]CTATCAGAACCAGGTAACGGGCCCTGGGCCTTTTGCTGCCCACATGTCACCGTCCACATC-3'
Protein context (NP_001274420.1, residues 1029-1049): APLYKRLAPQ[Ala1039Val]YQNQVTNEEI

ClinVar aggregate classification (germline): Uncertain significance (1 of 4 stars; one submission).

Submission:

GeneDx
Classification: Uncertain significance. Last evaluated: 2024-10-24. Review status: criteria provided, single submitter. Criteria: GeneDx Variant Classification Process June 2021. Collection method: clinical testing. Allele origin: germline. Affected: yes.
Comment: Not observed at significant frequency in large population cohorts (gnomAD); In silico analysis supports that this missense variant has a deleterious effect on protein structure/function; Has not been previously published as pathogenic or benign to our knowledge